The following is an entry in ClinVar:

ClinVar aggregate classification (germline): Conflicting classifications of pathogenicity. Review status: criteria provided, conflicting classifications (1 of 4 stars). 6 submissions from 6 submitters: Uncertain significance (2); Benign (1); Likely benign (2). 1 of the submissions does not count toward it. Last evaluated 2025-07-30.

Conditions:
Familial thoracic aortic aneurysm and aortic dissection (TAAD). Also called: Thoracic aortic aneurysms and dissections. Identifiers: Orphanet 91387, MedGen C4707243, MONDO:0019625.
Marfan syndrome (MFS). Also called: Marfan syndrome, classic; Marfan syndrome type 1; Marfan's syndrome; MARFAN SYNDROME, TYPE I; FBN1-Related Marfan Syndrome. Identifiers: Orphanet 284963, Orphanet 558, MedGen C0024796, MONDO:0007947, OMIM 154700.
FBN1-related disorder. Also called: FBN1-related disorders.

Allele frequency attached by ClinVar (database versions not stated): gnomAD 0.00003 and 0.00004; gnomAD exomes 0.00004 and 0.00005; ESP Exome Variant Server 0.00008; TOPMed 0.00004; ExAC 0.00005.
gnomAD v4.1: 69 of 1,613,578 alleles (0.0043%); highest among the groups gnomAD compares: Non-Finnish European, 0.0048%; no homozygotes.

Submissions (6):

Ambry Genetics
Classification: Uncertain significance for Familial thoracic aortic aneurysm and aortic dissection. Last evaluated: 2025-07-30. Review status: criteria provided, single submitter. Criteria: Ambry Variant Classification Scheme 2023. Collection method: clinical testing. Allele origin: germline.
Comment: The c.1837+4C>T intronic variant results from a C to T substitution 4 nucleotides after coding exon 14 in the FBN1 gene. This variant was reported in individual(s) with features consistent with Marfan syndrome; in at least one individual (Madar L et al. J Biotechnol, 2019 Aug;301:105-111; Comeglio P et al. Hum Mutat. 2007 Sep;28(9):928; Ambry internal data). This nucleotide position is poorly conserved in available vertebrate species. In silico splice site analysis predicts that this alteration will not have any significant effect on splicing. Based on the available evidence, the clinical significance of this variant remains unclear.

Labcorp Genetics (formerly Invitae), Labcorp
Classification: Uncertain significance for Marfan syndrome; Familial thoracic aortic aneurysm and aortic dissection. Last evaluated: 2024-11-21. Review status: criteria provided, single submitter. Criteria: Invitae Variant Classification Sherloc (09022015). Collection method: clinical testing. Allele origin: germline.
Comment: This sequence change falls in intron 15 of the FBN1 gene. It does not directly change the encoded amino acid sequence of the FBN1 protein. It affects a nucleotide within the consensus splice site. This variant is present in population databases (rs199950267, gnomAD 0.006%). This variant has been observed in individual(s) with clinical features of Marfan syndrome (PMID: 17657824, 31163209). ClinVar contains an entry for this variant (Variation ID: 406295). Variants that disrupt the consensus splice site are a relatively common cause of aberrant splicing (PMID: 17576681, 9536098). Algorithms developed to predict the effect of sequence changes on RNA splicing suggest that this variant is not likely to affect RNA splicing. In summary, the available evidence is currently insufficient to determine the role of this variant in disease. Therefore, it has been classified as a Variant of Uncertain Significance.

ARUP Laboratories, Molecular Genetics and Genomics, ARUP Laboratories
Classification: Likely benign. Last evaluated: 2024-10-16. Review status: criteria provided, single submitter. Criteria: ARUP Molecular Germline Variant Investigation Process 2024. Collection method: clinical testing. Allele origin: germline.

Color Diagnostics, LLC DBA Color Health
Classification: Likely benign for Familial thoracic aortic aneurysm and aortic dissection. Last evaluated: 2018-12-13. Review status: criteria provided, single submitter. Criteria: ACMG Guidelines, 2015. Collection method: clinical testing. Allele origin: germline.

GeneDx
Classification: Benign. Last evaluated: 2015-03-03. Review status: criteria provided, single submitter. Criteria: GeneDx Variant Classification Process June 2021. Collection method: clinical testing. Allele origin: germline. Affected: yes.
Comment: This variant is associated with the following publications: (PMID: 31163209)

PreventionGenetics, part of Exact Sciences
Classification: Likely benign for FBN1-related condition. Last evaluated: 2024-03-06. Review status: no assertion criteria provided. Collection method: clinical testing. Allele origin: germline. Not counted in ClinVar's aggregate classification.
Comment: This variant is classified as likely benign based on ACMG/AMP sequence variant interpretation guidelines (Richards et al. 2015 PMID: 25741868, with internal and published modifications).

Literature cited by the submitters: PubMed 17657824 (cited by Ambry Genetics and Labcorp Genetics (formerly Invitae), Labcorp); PubMed 31163209 (cited by Ambry Genetics and Labcorp Genetics (formerly Invitae), Labcorp); PubMed 17576681 (cited by Labcorp Genetics (formerly Invitae), Labcorp); PubMed 9536098 (cited by Labcorp Genetics (formerly Invitae), Labcorp).

NM_000138.5(FBN1):c.1837+4C>T

Gene: FBN1 (fibrillin 1; minus strand). Cytogenetic location: 15q21.1.
Variant type: single nucleotide variant.
Coding change: c.1837+4C>T on transcript NM_000138.5 (MANE Select); 4 bases into the intron after coding-DNA position 1837, C replaced by T.
Molecular consequence: intron variant.
Genome position (GRCh38, 1-based): chr15:48,508,578, G>A on the plus strand (C>T on the coding strand, the complement: FBN1 is on the minus strand). VCF-style: chr15-48508578-G-A. GRCh37 (hg19) VCF-style: chr15-48800775-G-A.
Identifiers: ClinVar variation 406295 (VCV000406295.17), dbSNP rs199950267, ClinGen allele CA046043.